The following is an entry in ClinVar:

ClinVar aggregate classification (germline): Uncertain significance (1 of 4 stars; one submission).

Submission:

Labcorp Genetics (formerly Invitae), Labcorp
Classification: Uncertain significance. Last evaluated: 2023-10-23. Review status: criteria provided, single submitter. Criteria: Invitae Variant Classification Sherloc (09022015). Collection method: clinical testing. Allele origin: germline.
Comment: This sequence change replaces aspartic acid, which is acidic and polar, with glycine, which is neutral and non-polar, at codon 473 of the ITGAM protein (p.Asp473Gly). This variant is not present in population databases (gnomAD no frequency). This variant has not been reported in the literature in individuals affected with ITGAM-related conditions. An algorithm developed to predict the effect of missense changes on protein structure and function (PolyPhen-2) suggests that this variant is likely to be disruptive. In summary, the available evidence is currently insufficient to determine the role of this variant in disease. Therefore, it has been classified as a Variant of Uncertain Significance.

NM_000632.4(ITGAM):c.1418A>G (p.Asp473Gly)

Gene: ITGAM (integrin subunit alpha M; plus strand). Cytogenetic location: 16p11.2.
Variant type: single nucleotide variant.
Coding change: c.1418A>G on transcript NM_000632.4 (MANE Select); coding-DNA position 1418, A replaced by G.
Protein change: p.Asp473Gly; replaces aspartic acid 473 with glycine.
Molecular consequence: missense variant.
Genome position (GRCh38, 1-based): chr16:31,297,575, A>G. VCF-style: chr16-31297575-A-G. GRCh37 (hg19) VCF-style: chr16-31308896-A-G.
Other names: c.1418A>G, p.Asp473Gly (NM_001145808.2); short protein forms D473G.
Identifiers: ClinVar variation 2965794 (VCV002965794.3), dbSNP rs2544439235, ClinGen allele CA395669360.